The following is an entry in ClinVar:

ClinVar aggregate classification (germline): Conflicting classifications of pathogenicity. Review status: criteria provided, conflicting classifications (1 of 4 stars). 3 submissions from 3 submitters: Uncertain significance (2); Likely benign (1). Last evaluated 2025-09-28.

Conditions:
Deficiency of ferroxidase (ACEP). Also called: Ceruloplasmin deficiency; Familial apoceruloplasmin deficiency; Hereditary ceruloplasmin deficiency; Deficiency of ceruloplasmin; Aceruloplasminemia; NEURODEGENERATION WITH BRAIN IRON ACCUMULATION 10. Identifiers: Orphanet 48818, MedGen C0878682, MONDO:0011426, OMIM 604290, HP:0025498.
Inborn genetic diseases. Identifiers: MedGen C0950123, MeSH D030342.

Allele frequency attached by ClinVar (database versions not stated): gnomAD 0.00001 and 0.00003; TOPMed 0.00001.
gnomAD v4.1: 107 of 1,613,936 alleles (0.0066%); highest among the groups gnomAD compares: South Asian, 0.11%; 2 homozygotes.

Submissions (3):

Ambry Genetics
Classification: Uncertain significance for Inborn genetic diseases. Last evaluated: 2025-09-28. Review status: criteria provided, single submitter. Criteria: Ambry Variant Classification Scheme 2023. Collection method: clinical testing. Allele origin: germline.

Labcorp Genetics (formerly Invitae), Labcorp
Classification: Likely benign for Deficiency of ferroxidase. Last evaluated: 2024-12-09. Review status: criteria provided, single submitter. Criteria: Invitae Variant Classification Sherloc (09022015). Collection method: clinical testing. Allele origin: germline.

GeneDx
Classification: Uncertain significance. Last evaluated: 2024-08-22. Review status: criteria provided, single submitter. Criteria: GeneDx Variant Classification Process June 2021. Collection method: clinical testing. Allele origin: germline. Affected: yes.
Comment: In silico analysis indicates that this missense variant does not alter protein structure/function; Has not been previously published as pathogenic or benign to our knowledge

NM_000096.4(CP):c.514G>C (p.Gly172Arg)

Gene: CP (ceruloplasmin; minus strand). Cytogenetic location: 3q25.1.
Variant type: single nucleotide variant.
Coding change: c.514G>C on transcript NM_000096.4 (MANE Select); coding-DNA position 514, G replaced by C.
Protein change: p.Gly172Arg; replaces glycine 172 with arginine.
Molecular consequence: missense variant. On other transcripts: non-coding transcript variant (1).
Genome position (GRCh38, 1-based): chr3:149,210,260, C>G on the plus strand (G>C on the coding strand, the complement: CP is on the minus strand). VCF-style: chr3-149210260-C-G. GRCh37 (hg19) VCF-style: chr3-148928047-C-G.
Other names: c.514G>C (NM_000096.3); short protein forms G172R.
Identifiers: ClinVar variation 1383171 (VCV001383171.10), dbSNP rs768492670, ClinGen allele CA2661302.